The following is an entry in ClinVar:

NM_020442.6(VARS2):c.1372C>T (p.His458Tyr)

Gene: VARS2 (valyl-tRNA synthetase 2, mitochondrial; plus strand). Cytogenetic location: 6p21.33.
Variant type: single nucleotide variant.
Coding change: c.1372C>T on transcript NM_020442.6 (MANE Select); coding-DNA position 1372, C replaced by T.
Protein change: p.His458Tyr; replaces histidine 458 with tyrosine.
Molecular consequence: missense variant.
Genome position (GRCh38, 1-based): chr6:30,920,411, C>T. VCF-style: chr6-30920411-C-T. GRCh37 (hg19) VCF-style: chr6-30888188-C-T.
Other names: c.952C>T, p.His318Tyr (NM_001167733.3); c.1462C>T, p.His488Tyr (NM_001167734.2); short protein forms H458Y, H488Y, H318Y.
Identifiers: ClinVar variation 2132007 (VCV002132007.4), dbSNP rs1448145651, ClinGen allele CA363173096.
Genomic context (GRCh38, chr6:30,920,411, plus strand): 5'-GCCCGGGAAAAGATAATGTCTGTGCTGAGTGAATGGGGCCTGTTCCGGGGCCTCCAGAAC[C>T]ACCCCATGGTACTGCCCATCTGCAGGTAACCTCATTTTAACTCCTTTACTAAGGGCTACC-3'
Protein context (NP_065175.4, residues 448-468): EWGLFRGLQN[His458Tyr]PMVLPICSRS

ClinVar aggregate classification (germline): Uncertain significance (1 of 4 stars; one submission).

Submission:

Labcorp Genetics (formerly Invitae), Labcorp
Classification: Uncertain significance. Last evaluated: 2022-04-29. Review status: criteria provided, single submitter. Criteria: Invitae Variant Classification Sherloc (09022015). Collection method: clinical testing. Allele origin: germline.
Comment: In summary, the available evidence is currently insufficient to determine the role of this variant in disease. Therefore, it has been classified as a Variant of Uncertain Significance. Algorithms developed to predict the effect of missense changes on protein structure and function are either unavailable or do not agree on the potential impact of this missense change (SIFT: "Deleterious"; PolyPhen-2: "Probably Damaging"; Align-GVGD: "Class C15"). This variant has not been reported in the literature in individuals affected with VARS2-related conditions. This variant is not present in population databases (gnomAD no frequency). This sequence change replaces histidine, which is basic and polar, with tyrosine, which is neutral and polar, at codon 488 of the VARS2 protein (p.His488Tyr).